The following is an entry in ClinVar:

NM_000063.6(C2):c.810_811delinsAA (p.Phe270_Leu271delinsLeuIle)

Gene: C2 (complement C2; plus strand). Cytogenetic location: 6p21.33.
Variant type: Indel.
Coding change: c.810_811delinsAA on transcript NM_000063.6 (MANE Select); coding-DNA positions 810 to 811, TC replaced by AA.
Protein change: p.Phe270_Leu271delinsLeuIle.
Molecular consequence: missense variant. On other transcripts: intron variant (2).
Genome position (GRCh38, 1-based): chr6:31,934,260-31,934,261, TC replaced by AA. VCF-style: chr6-31934260-TC-AA. GRCh37 (hg19) VCF-style: chr6-31902037-TC-AA.
Other names: c.414_415delinsAA, p.Phe138_Leu139delinsLeuIle (NM_001145903.3); c.723_724delinsAA, p.Phe241_Leu242delinsLeuIle (NM_001282458.2); c.810_811delinsAA, p.Phe270_Leu271delinsLeuIle (NM_001282459.2); c.111+477_111+478delinsAA (NM_001282457.2); c.346+295_346+296delinsAA (NM_001178063.3).
Identifiers: ClinVar variation 1955513 (VCV001955513.5), dbSNP rs2482526487, ClinGen allele CA2580074273.
Genomic context (GRCh38, chr6:31,934,260, plus strand): 5'-TGGTCATCTGAACCTCTACCTGCTCCTGGACTGTTCGCAGAGTGTGTCGGAAAATGACTT[TC>AA]TCATCTTCAAGGAGAGCGCCTCCCTCATGGTGGACAGGGTCAGGAATCAGGAGTCTGCCT-3'

ClinVar aggregate classification (germline): Uncertain significance (1 of 4 stars; one submission).

Submission:

Labcorp Genetics (formerly Invitae), Labcorp
Classification: Uncertain significance. Last evaluated: 2022-01-13. Review status: criteria provided, single submitter. Criteria: Invitae Variant Classification Sherloc (09022015). Collection method: clinical testing. Allele origin: germline.
Comment: In summary, the available evidence is currently insufficient to determine the role of this variant in disease. Therefore, it has been classified as a Variant of Uncertain Significance. Experimental studies and prediction algorithms are not available or were not evaluated, and the functional significance of this variant is currently unknown. This variant has not been reported in the literature in individuals affected with C2-related conditions. Information on the frequency of this variant in the gnomAD database is not available, as this variant may be reported differently in the database. This variant, c.810_811delinsAA, is a complex sequence change that results in the deletion of 2 and insertion of 2 amino acid(s) in the C2 protein (p.Phe270_Leu271delinsLeuIle).